The following is an entry in ClinVar:

ClinVar aggregate classification (germline): Uncertain significance (1 of 4 stars; one submission).

Conditions:
Congenital myasthenic syndrome 4A. Also called: CONGENITAL MYASTHENIC SYNDROME TYPE Ia1; MYASTHENIC SYNDROME, CONGENITAL, 4A, SLOW-CHANNEL, AUTOSOMAL RECESSIVE; Myasthenic syndrome, congenital, 4a, slow-channel. Identifiers: Orphanet 590, MedGen C4225413, MONDO:0011600, OMIM 605809.

Submission:

Labcorp Genetics (formerly Invitae), Labcorp
Classification: Uncertain significance for Congenital myasthenic syndrome 4A. Last evaluated: 2024-12-05. Review status: criteria provided, single submitter. Criteria: Invitae Variant Classification Sherloc (09022015). Collection method: clinical testing. Allele origin: germline.
Comment: This sequence change replaces alanine, which is neutral and non-polar, with serine, which is neutral and polar, at codon 365 of the CHRNE protein (p.Ala365Ser). This variant is not present in population databases (gnomAD no frequency). This variant has not been reported in the literature in individuals affected with CHRNE-related conditions. Invitae Evidence Modeling of protein sequence and biophysical properties (such as structural, functional, and spatial information, amino acid conservation, physicochemical variation, residue mobility, and thermodynamic stability) indicates that this missense variant is not expected to disrupt CHRNE protein function with a negative predictive value of 95%. In summary, the available evidence is currently insufficient to determine the role of this variant in disease. Therefore, it has been classified as a Variant of Uncertain Significance.

NM_000080.4(CHRNE):c.1093G>T (p.Ala365Ser)

Genes: CHRNE (cholinergic receptor nicotinic epsilon subunit; minus strand), LOC130060041 (ATAC-STARR-seq lymphoblastoid silent region 8050; plus strand). Cytogenetic location: 17p13.2.
Variant type: single nucleotide variant.
Coding change: c.1093G>T on transcript NM_000080.4 (MANE Select); coding-DNA position 1093, G replaced by T.
Protein change: p.Ala365Ser; replaces alanine 365 with serine.
Molecular consequence: missense variant.
Genome position (GRCh38, 1-based): chr17:4,899,324, C>A on the plus strand (G>T on the coding strand, the complement: CHRNE is on the minus strand). VCF-style: chr17-4899324-C-A. GRCh37 (hg19) VCF-style: chr17-4802619-C-A.
Other names: short protein forms A365S.
Identifiers: ClinVar variation 3604393 (VCV003604393.2).